The following is an entry in ClinVar:

ClinVar aggregate classification (germline): Uncertain significance (1 of 4 stars; one submission).

Allele frequency attached by ClinVar (database versions not stated): gnomAD exomes below 0.00001; ExAC 0.00001; gnomAD 0.00001.
gnomAD v4.1: 4 of 1,613,028 alleles (0.00025%); highest among the groups gnomAD compares: East Asian, 0.0022%; no homozygotes.

Submission:

Labcorp Genetics (formerly Invitae), Labcorp
Classification: Uncertain significance. Last evaluated: 2022-05-03. Review status: criteria provided, single submitter. Criteria: Invitae Variant Classification Sherloc (09022015). Collection method: clinical testing. Allele origin: germline.
Comment: This sequence change replaces proline, which is neutral and non-polar, with serine, which is neutral and polar, at codon 245 of the ERCC3 protein (p.Pro245Ser). This variant is present in population databases (rs752490818, gnomAD 0.01%). This variant has not been reported in the literature in individuals affected with ERCC3-related conditions. Algorithms developed to predict the effect of missense changes on protein structure and function are either unavailable or do not agree on the potential impact of this missense change (SIFT: "Deleterious"; PolyPhen-2: "Benign"; Align-GVGD: "Class C0"). In summary, the available evidence is currently insufficient to determine the role of this variant in disease. Therefore, it has been classified as a Variant of Uncertain Significance.

NM_000122.2(ERCC3):c.733C>T (p.Pro245Ser)

Gene: ERCC3 (ERCC excision repair 3, TFIIH core complex helicase subunit; minus strand). Cytogenetic location: 2q14.3.
Variant type: single nucleotide variant.
Coding change: c.733C>T on transcript NM_000122.2 (MANE Select); coding-DNA position 733, C replaced by T.
Protein change: p.Pro245Ser; replaces proline 245 with serine.
Molecular consequence: missense variant.
Genome position (GRCh38, 1-based): chr2:127,289,426, G>A on the plus strand (C>T on the coding strand, the complement: ERCC3 is on the minus strand). VCF-style: chr2-127289426-G-A. GRCh37 (hg19) VCF-style: chr2-128047002-G-A.
Other names: c.541C>T, p.Pro181Ser (NM_001303416.2, NM_001303418.2); short protein forms P245S, P181S.
Identifiers: ClinVar variation 1941881 (VCV001941881.2), dbSNP rs752490818, ClinGen allele CA1858455.
Genomic context (GRCh38, chr2:127,289,426, plus strand): 5'-TCTCTTCTTCTTCTTCTTCATCCTTGTCCATTTGCTCATAGAAGTCAAACAGGTCCATGG[G>A]GATGTCAGATTTACCCTGTGGATCTGTCACTCGGGAAGTGGAGGGCCCACCACTGCTTTC-3'
Protein context (NP_000113.1, residues 235-255): VTDPQGKSDI[Pro245Ser]MDLFDFYEQM